The following is an entry in ClinVar:

ClinVar aggregate classification (germline): Uncertain significance. Review status: criteria provided, multiple submitters, no conflicts (2 of 4 stars). 2 submissions from 2 submitters: Uncertain significance (2). Last evaluated 2026-05-29.

Allele frequency attached by ClinVar (database versions not stated): gnomAD 0.00016.
gnomAD v4.1: 309 of 1,480,188 alleles (0.021%); highest among the groups gnomAD compares: Middle Eastern, 0.035%; no homozygotes.

Submissions (2):

Women's Health and Genetics/Laboratory Corporation of America, LabCorp
Classification: Uncertain significance. Last evaluated: 2026-05-29. Review status: criteria provided, single submitter. Criteria: LabCorp Variant Classification Summary - May 2015. Collection method: clinical testing. Allele origin: germline.
Comment: Variant summary: ZFHX2 c.7432C>T (p.Arg2478Trp) results in a non-conservative amino acid change in the encoded protein sequence. Algorithms developed to predict the effect of missense changes on protein structure and function are either unavailable or do not agree on the potential impact of this missense change. The variant allele was found at a frequency of 0.00021 in 90860 control chromosomes. This frequency is not significantly higher than estimated for disease-causing variants in ZFHX2, allowing no conclusion about variant significance. To our knowledge, no occurrence of c.7432C>T in individuals affected with ZFHX2-related conditions and no experimental evidence demonstrating its impact on protein function have been reported. ClinVar contains an entry for this variant (Variation ID: 2372281). Based on the evidence outlined above, the variant was classified as uncertain significance.

Ambry Genetics
Classification: Uncertain significance. Last evaluated: 2024-12-06. Review status: criteria provided, single submitter. Criteria: Ambry Variant Classification Scheme 2023. Collection method: clinical testing. Allele origin: germline.

NM_033400.3(ZFHX2):c.7432C>T (p.Arg2478Trp)

Genes: THTPA (thiamine triphosphatase; plus strand), ZFHX2 (zinc finger homeobox 2; minus strand). Cytogenetic location: 14q11.2.
Variant type: single nucleotide variant.
Coding change: c.7432C>T on transcript NM_033400.3 (MANE Select); coding-DNA position 7432, C replaced by T.
Protein change: p.Arg2478Trp; replaces arginine 2478 with tryptophan.
Molecular consequence: missense variant.
Genome position (GRCh38, 1-based): chr14:23,522,249, G>A on the plus strand (C>T on the coding strand, the complement: ZFHX2 is on the minus strand). VCF-style: chr14-23522249-G-A. GRCh37 (hg19) VCF-style: chr14-23991458-G-A.
Other names: short protein forms R2478W.
Identifiers: ClinVar variation 2372281 (VCV002372281.4), dbSNP rs753985089, ClinGen allele CA257791476.
Genomic context (GRCh38, chr14:23,522,249, plus strand): 5'-GGCAGTGGTAGGTGCAGATGGGCACCCGCAATGGGGGTGGCATGGAGCCCCCAGAGCCCC[G>A]CCCAAAGAAGCAGAAGGATCTCTGGTGGGCAGTAGCCGGGGCCTCCCCGTCAAATGCCAT-3'
Protein context (NP_207646.2, residues 2468-2488): AHQRSFCFFG[Arg2478Trp]GSGGSMPPPL